The following is an entry in ClinVar:

NM_000384.3(APOB):c.2035G>C (p.Ala679Pro)

Gene: APOB (apolipoprotein B; minus strand). Cytogenetic location: 2p24.1.
Variant type: single nucleotide variant.
Coding change: c.2035G>C on transcript NM_000384.3 (MANE Select); coding-DNA position 2035, G replaced by C.
Protein change: p.Ala679Pro; replaces alanine 679 with proline.
Molecular consequence: missense variant.
Genome position (GRCh38, 1-based): chr2:21,027,860, C>G on the plus strand (G>C on the coding strand, the complement: APOB is on the minus strand). VCF-style: chr2-21027860-C-G. GRCh37 (hg19) VCF-style: chr2-21250732-C-G.
Other names: short protein forms A679P.
Identifiers: ClinVar variation 3231382 (VCV003231382.4), dbSNP rs1029990195, ClinGen allele CA43523669.
Genomic context (GRCh38, chr2:21,027,860, plus strand): 5'-TAGAGAACCTCAAACTCTTCACACTTACCTCGATGAGGTCAGCTGAAGCAAATCCAAAGG[C>G]AGTGAGGGTAGTTTTCAGCATGCTTTCTTTAGGAAGGTAGTTATTTGGATCAAATATAAG-3'
Protein context (NP_000375.3, residues 669-689): KESMLKTTLT[Ala679Pro]FGFASADLIE

ClinVar aggregate classification (germline): Conflicting classifications of pathogenicity. Review status: criteria provided, conflicting classifications (1 of 4 stars). 3 submissions from 3 submitters: Uncertain significance (2); Likely benign (1). Last evaluated 2025-04-18.

Conditions:
Cardiovascular phenotype. Identifiers: MedGen CN230736.
Hypercholesterolemia, autosomal dominant, type B (FHCL2). Also called: Familial Hypercholesterolemia Type B; APOLIPOPROTEIN B-100, FAMILIAL DEFECTIVE; APOLIPOPROTEIN B-100, FAMILIAL LIGAND-DEFECTIVE; HYPERCHOLESTEROLEMIA, FAMILIAL, DUE TO LIGAND-DEFECTIVE APOLIPOPROTEIN B; Familial hypercholesterolemia 2; APOB-Related Familial Hypercholesterolemia, Autosomal Dominant. Identifiers: MedGen C1704417, MONDO:0007751, OMIM 144010.
Familial hypobetalipoproteinemia 1. Also called: APOB-Related Familial Hypobetalipoproteinemia; Hypobetalipoproteinemia, normotriglyceridemic; Acanthocytosis with hypobetalipoproteinemia. Identifiers: MedGen C4551990, MONDO:0014252, OMIM 615558.

Allele frequency attached by ClinVar (database versions not stated): gnomAD exomes below 0.00001; gnomAD 0.00001; TOPMed 0.00002.
gnomAD v4.1: 5 of 1,613,922 alleles (0.00031%); highest among the groups gnomAD compares: African/African-American, 0.004%; no homozygotes.

Submissions (3):

GeneDx
Classification: Uncertain significance. Last evaluated: 2025-04-18. Review status: criteria provided, single submitter. Criteria: GeneDx Variant Classification Process June 2021. Collection method: clinical testing. Allele origin: germline. Affected: yes.
Comment: Not observed at significant frequency in large population cohorts (gnomAD); In silico analysis supports that this missense variant has a deleterious effect on protein structure/function; Has not been previously published as pathogenic or benign to our knowledge

Labcorp Genetics (formerly Invitae), Labcorp
Classification: Likely benign for Familial hypobetalipoproteinemia 1; Hypercholesterolemia, autosomal dominant, type B. Last evaluated: 2024-02-09. Review status: criteria provided, single submitter. Criteria: Invitae Variant Classification Sherloc (09022015). Collection method: clinical testing. Allele origin: germline.

Ambry Genetics
Classification: Uncertain significance for Cardiovascular phenotype. Last evaluated: 2023-12-29. Review status: criteria provided, single submitter. Criteria: Ambry Variant Classification Scheme 2023. Collection method: clinical testing. Allele origin: germline.
Comment: The p.A679P variant (also known as c.2035G>C), located in coding exon 14 of the APOB gene, results from a G to C substitution at nucleotide position 2035. The alanine at codon 679 is replaced by proline, an amino acid with highly similar properties. This amino acid position is conserved. In addition, this alteration is predicted to be tolerated by in silico analysis. Since supporting evidence is limited at this time, the clinical significance of this alteration remains unclear.